The following is an entry in ClinVar:

ClinVar aggregate classification (germline): Benign. Review status: criteria provided, multiple submitters, no conflicts (2 of 4 stars). 8 submissions from 8 submitters: Benign (8). Last evaluated 2026-01-28.

Conditions:
Erythrokeratodermia variabilis et progressiva 1 (EKVP1). Also called: ERYTHROKERATODERMIA FIGURATA, CONGENITAL FAMILIAL, IN PLAQUES; ERYTHROKERATODERMIA VARIABILIS WITH ERYTHEMA GYRATUM REPENS; ERYTHROKERATODERMIA, PROGRESSIVE SYMMETRIC. Identifiers: Orphanet 317, MedGen C4551486, MONDO:0033010, OMIM 133200.

Allele frequency attached by ClinVar (database versions not stated): gnomAD exomes 0.00300 and 0.00785; ExAC 0.00966; gnomAD 0.02616 and 0.02803; TOPMed 0.02963; ESP Exome Variant Server 0.03014; 1000 Genomes Project 0.03554; 1000 Genomes Project 30x 0.03670.
gnomAD v4.1: 8,643 of 1,613,676 alleles (0.54%); highest among the groups gnomAD compares: African/African-American, 9.1%; 349 homozygotes.

Submissions (8):

Labcorp Genetics (formerly Invitae), Labcorp
Classification: Benign. Last evaluated: 2026-01-28. Review status: criteria provided, single submitter. Criteria: Invitae Variant Classification Sherloc (09022015). Collection method: clinical testing. Allele origin: germline.

ARUP Laboratories, Molecular Genetics and Genomics, ARUP Laboratories
Classification: Benign. Last evaluated: 2023-11-28. Review status: criteria provided, single submitter. Criteria: ARUP Molecular Germline Variant Investigation Process 2024. Collection method: clinical testing. Allele origin: germline.

Athena Diagnostics
Classification: Benign. Last evaluated: 2018-12-07. Review status: criteria provided, single submitter. Criteria: Athena Diagnostics Criteria. Collection method: clinical testing. Allele origin: germline.

Illumina Laboratory Services, Illumina
Classification: Benign for Erythrokeratodermia variabilis et progressiva 1. Last evaluated: 2018-01-13. Review status: criteria provided, single submitter. Criteria: ICSL Variant Classification Criteria 13 December 2019. Collection method: clinical testing. Allele origin: germline.
Comment: This variant was observed in the ICSL laboratory as part of a predisposition screen in an ostensibly healthy population. It had not been previously curated by ICSL or reported in the Human Gene Mutation Database (HGMD: prior to June 1st, 2018), and was therefore a candidate for classification through an automated scoring system. Utilizing variant allele frequency, disease prevalence and penetrance estimates, and inheritance mode, an automated score was calculated to assess if this variant is too frequent to cause the disease. Based on the score and internal cut-off values, a variant classified as benign is not then subjected to further curation. The score for this variant resulted in a classification of benign for this disease.

GeneDx
Classification: Benign. Last evaluated: 2015-08-26. Review status: criteria provided, single submitter. Criteria: GeneDx Variant Classification (06012015). Collection method: clinical testing. Allele origin: germline. Affected: yes.
Comment: This variant is considered likely benign or benign based on one or more of the following criteria: it is a conservative change, it occurs at a poorly conserved position in the protein, it is predicted to be benign by multiple in silico algorithms, and/or has population frequency not consistent with disease.

Laboratory for Molecular Medicine, Mass General Brigham Personalized Medicine
Classification: Benign. Last evaluated: 2012-05-07. Review status: criteria provided, single submitter. Criteria: LMM Criteria. Collection method: clinical testing. Allele origin: germline. Observed: 11 variant alleles.
Comment: Val200Ile in Exon 02 of GJB3: This variant is not expected to have clinical sign ificance because it has been identified in 8.7% (327/3738) of African American c hromosomes from a broad population by the NHLBI Exome Sequencing Project (dbSNP rs61734064).

Breakthrough Genomics
Classification: Benign. Review status: criteria provided, single submitter. Criteria: ACMG Guidelines, 2015. Collection method: not provided. Allele origin: germline. Inheritance: Autosomal dominant inheritance. Affected: yes.

PreventionGenetics, part of Exact Sciences
Classification: Benign. Review status: criteria provided, single submitter. Criteria: ACMG Guidelines, 2015. Collection method: clinical testing. Allele origin: germline.

NM_024009.3(GJB3):c.598G>A (p.Val200Ile)

Gene: GJB3 (gap junction protein beta 3; plus strand). Cytogenetic location: 1p34.3.
Variant type: single nucleotide variant.
Coding change: c.598G>A on transcript NM_024009.3 (MANE Select); coding-DNA position 598, G replaced by A.
Protein change: p.Val200Ile; replaces valine 200 with isoleucine.
Molecular consequence: missense variant.
Genome position (GRCh38, 1-based): chr1:34,785,360, G>A. VCF-style: chr1-34785360-G-A. GRCh37 (hg19) VCF-style: chr1-35250961-G-A.
Other names: c.598G>A, p.Val200Ile (NM_001005752.2); short protein forms V200I.
Identifiers: ClinVar variation 163535 (VCV000163535.29), dbSNP rs61734064, ClinGen allele CA176173.
Genomic context (GRCh38, chr1:34,785,360, plus strand): 5'-CGACCTACCGAGAAGAAAATCTTCACCTACTTCATGGTGGGCGCCTCCGCCGTCTGCATC[G>A]TACTCACCATCTGTGAGCTCTGCTACCTCATCTGCCACAGGGTCCTGCGAGGCCTGCACA-3'
Protein context (NP_076872.1, residues 190-210): FMVGASAVCI[Val200Ile]LTICELCYLI